The following is an entry in ClinVar:

NM_002485.5(NBN):c.919G>A (p.Glu307Lys)

Gene: NBN (nibrin; minus strand). Cytogenetic location: 8q21.3.
Variant type: single nucleotide variant.
Coding change: c.919G>A on transcript NM_002485.5 (MANE Select); coding-DNA position 919, G replaced by A.
Protein change: p.Glu307Lys; replaces glutamic acid 307 with lysine.
Molecular consequence: missense variant.
Genome position (GRCh38, 1-based): chr8:89,964,485, C>T on the plus strand (G>A on the coding strand, the complement: NBN is on the minus strand). VCF-style: chr8-89964485-C-T. GRCh37 (hg19) VCF-style: chr8-90976713-C-T.
Other names: c.673G>A, p.Glu225Lys (NM_001024688.3); short protein forms E307K, E225K.
Identifiers: ClinVar variation 1351648 (VCV001351648.6), dbSNP rs1554562182, ClinGen allele CA371657089.

ClinVar aggregate classification (germline): Uncertain significance (1 of 4 stars; one submission).

Conditions:
Microcephaly, normal intelligence and immunodeficiency (NBS). Also called: Immunodeficiency, microcephaly with normal intelligence; Microcephaly with normal intelligence immunodeficiency and lymphoreticular malignancies; Nonsyndromal microcephaly autosomal recessive with normal intelligence; Seemanova syndrome 2; Ataxia telangiectasia variant V1; SEEMANOVA SYNDROME II. Identifiers: Orphanet 647, MedGen C0398791, MONDO:0009623, OMIM 251260.

Submission:

Labcorp Genetics (formerly Invitae), Labcorp
Classification: Uncertain significance for Microcephaly, normal intelligence and immunodeficiency. Last evaluated: 2022-09-19. Review status: criteria provided, single submitter. Criteria: Invitae Variant Classification Sherloc (09022015). Collection method: clinical testing. Allele origin: germline.
Comment: This variant is not present in population databases (gnomAD no frequency). This sequence change replaces glutamic acid, which is acidic and polar, with lysine, which is basic and polar, at codon 307 of the NBN protein (p.Glu307Lys). This variant has not been reported in the literature in individuals affected with NBN-related conditions. In summary, the available evidence is currently insufficient to determine the role of this variant in disease. Therefore, it has been classified as a Variant of Uncertain Significance. Algorithms developed to predict the effect of missense changes on protein structure and function are either unavailable or do not agree on the potential impact of this missense change (SIFT: "Tolerated"; PolyPhen-2: "Possibly Damaging"; Align-GVGD: "Class C0"). ClinVar contains an entry for this variant (Variation ID: 1351648).